The following is an entry in ClinVar:

NM_001367624.2(ZNF469):c.11715C>A (p.Pro3905=)

Gene: ZNF469 (zinc finger protein 469; plus strand). Cytogenetic location: 16q24.2.
Variant type: single nucleotide variant.
Coding change: c.11715C>A on transcript NM_001367624.2 (MANE Select); coding-DNA position 11715, C replaced by A.
Protein change: p.Pro3905=; no amino-acid change (proline 3905 retained).
Molecular consequence: synonymous variant.
Genome position (GRCh38, 1-based): chr16:88,439,185, C>A. VCF-style: chr16-88439185-C-A. GRCh37 (hg19) VCF-style: chr16-88505593-C-A.
Other names: NM_001127464.1:c.11631C>A; NM_001127464.2:c.11631C>A.
Identifiers: ClinVar variation 1603742 (VCV001603742.12), dbSNP rs969384437, ClinGen allele CA286388425.

ClinVar aggregate classification (germline): Likely benign. Review status: criteria provided, multiple submitters, no conflicts (2 of 4 stars). 3 submissions from 3 submitters: Likely benign (2). 1 of the submissions does not count toward it. Last evaluated 2026-01-27.

Conditions:
Cardiovascular phenotype. Identifiers: MedGen CN230736.
ZNF469-related disorder. Also called: ZNF469-related condition.

Allele frequency attached by ClinVar (database versions not stated): gnomAD exomes 0.00002; gnomAD 0.00003 and 0.00004.
gnomAD v4.1: 57 of 1,550,326 alleles (0.0037%); highest among the groups gnomAD compares: Non-Finnish European, 0.0047%; no homozygotes.

Submissions (3):

Labcorp Genetics (formerly Invitae), Labcorp
Classification: Likely benign. Last evaluated: 2026-01-27. Review status: criteria provided, single submitter. Criteria: Invitae Variant Classification Sherloc (09022015). Collection method: clinical testing. Allele origin: germline.

Ambry Genetics
Classification: Likely benign for Cardiovascular phenotype. Last evaluated: 2020-10-06. Review status: criteria provided, single submitter. Criteria: Ambry Variant Classification Scheme 2023. Collection method: clinical testing. Allele origin: germline.

PreventionGenetics, part of Exact Sciences
Classification: Likely benign for ZNF469-related condition. Last evaluated: 2022-01-31. Review status: no assertion criteria provided. Collection method: clinical testing. Allele origin: germline. Not counted in ClinVar's aggregate classification.
Comment: This variant is classified as likely benign based on ACMG/AMP sequence variant interpretation guidelines (Richards et al. 2015 PMID: 25741868, with internal and published modifications).